The following is an entry in ClinVar:

NM_182961.4(SYNE1):c.17347G>C (p.Glu5783Gln)

Genes: SYNE1 (spectrin repeat containing nuclear envelope protein 1; minus strand), LOC129997480 (ATAC-STARR-seq lymphoblastoid active region 25287; plus strand). Cytogenetic location: 6q25.2.
Variant type: single nucleotide variant.
Coding change: c.17347G>C on transcript NM_182961.4 (MANE Select); coding-DNA position 17347, G replaced by C.
Protein change: p.Glu5783Gln; replaces glutamic acid 5783 with glutamine.
Molecular consequence: missense variant.
Genome position (GRCh38, 1-based): chr6:152,302,063, C>G on the plus strand (G>C on the coding strand, the complement: SYNE1 is on the minus strand). VCF-style: chr6-152302063-C-G. GRCh37 (hg19) VCF-style: chr6-152623198-C-G.
Other names: c.17134G>C, p.Glu5712Gln (NM_033071.5); short protein forms E5712Q, E5783Q.
Identifiers: ClinVar variation 471007 (VCV000471007.8), dbSNP rs754105532, ClinGen allele CA4055239.

ClinVar aggregate classification (germline): Uncertain significance (1 of 4 stars; one submission).

Conditions:
Emery-Dreifuss muscular dystrophy 4, autosomal dominant (EDMD4). Also called: EMERY-DREIFUSS MUSCULAR DYSTROPHY 4 WITH VARIABLE FEATURES. Identifiers: Orphanet 261, MedGen C2751807, MONDO:0013071, OMIM 612998.
Autosomal recessive ataxia, Beauce type. Also called: SYNE1-Related Autosomal Recessive Cerebellar Ataxia; Spinocerebellar ataxia, autosomal recessive 8; ATAXIA, RECESSIVE, OF BEAUCE; SYNE1 Deficiency. Identifiers: Orphanet 88644, MedGen C1853116, MONDO:0012549, OMIM 610743.

Allele frequency attached by ClinVar (database versions not stated): TOPMed below 0.00001; ExAC 0.00001; gnomAD 0.00001; gnomAD exomes 0.00001 and 0.00002.
gnomAD v4.1: 28 of 1,614,142 alleles (0.0017%); highest among the groups gnomAD compares: African/African-American, 0.0027%; no homozygotes.

Submission:

Labcorp Genetics (formerly Invitae), Labcorp
Classification: Uncertain significance for Emery-Dreifuss muscular dystrophy 4, autosomal dominant; Autosomal recessive ataxia, Beauce type. Last evaluated: 2022-03-09. Review status: criteria provided, single submitter. Criteria: Invitae Variant Classification Sherloc (09022015). Collection method: clinical testing. Allele origin: germline.
Comment: This sequence change replaces glutamic acid, which is acidic and polar, with glutamine, which is neutral and polar, at codon 5712 of the SYNE1 protein (p.Glu5712Gln). This variant is present in population databases (rs754105532, gnomAD 0.002%). This variant has not been reported in the literature in individuals affected with SYNE1-related conditions. ClinVar contains an entry for this variant (Variation ID: 471007). Algorithms developed to predict the effect of missense changes on protein structure and function (SIFT, PolyPhen-2, Align-GVGD) all suggest that this variant is likely to be disruptive. Algorithms developed to predict the effect of sequence changes on RNA splicing suggest that this variant may disrupt the consensus splice site. In summary, the available evidence is currently insufficient to determine the role of this variant in disease. Therefore, it has been classified as a Variant of Uncertain Significance.